The following is an entry in ClinVar:

ClinVar aggregate classification (germline): Uncertain significance (1 of 4 stars; one submission).

gnomAD v4.1: 25 of 1,536,588 alleles (0.0016%); highest among the groups gnomAD compares: Admixed American, 0.026%; no homozygotes.

Submission:

Labcorp Genetics (formerly Invitae), Labcorp
Classification: Uncertain significance. Last evaluated: 2025-07-14. Review status: criteria provided, single submitter. Criteria: Invitae Variant Classification Sherloc (09022015). Collection method: clinical testing. Allele origin: germline.
Comment: This sequence change replaces glutamic acid, which is acidic and polar, with lysine, which is basic and polar, at codon 490 of the FAM20C protein (p.Glu490Lys). This variant is present in population databases (no rsID available, gnomAD 0.04%). This variant has not been reported in the literature in individuals affected with FAM20C-related conditions. ClinVar contains an entry for this variant (Variation ID: 1926356). Invitae Evidence Modeling of protein sequence and biophysical properties (such as structural, functional, and spatial information, amino acid conservation, physicochemical variation, residue mobility, and thermodynamic stability) has been performed for this missense variant. However, the output from this modeling did not meet the statistical confidence thresholds required to predict the impact of this variant on FAM20C protein function. In summary, the available evidence is currently insufficient to determine the role of this variant in disease. Therefore, it has been classified as a Variant of Uncertain Significance.

NM_020223.4(FAM20C):c.1468G>A (p.Glu490Lys)

Gene: FAM20C (FAM20C golgi associated secretory pathway kinase; plus strand). Cytogenetic location: 7p22.3.
Variant type: single nucleotide variant.
Coding change: c.1468G>A on transcript NM_020223.4 (MANE Select); coding-DNA position 1468, G replaced by A.
Protein change: p.Glu490Lys; replaces glutamic acid 490 with lysine.
Molecular consequence: missense variant.
Genome position (GRCh38, 1-based): chr7:258,668, G>A. VCF-style: chr7-258668-G-A. GRCh37 (hg19) VCF-style: chr7-298634-G-A.
Other names: short protein forms E490K.
Identifiers: ClinVar variation 1926356 (VCV001926356.5), dbSNP rs1042913138, ClinGen allele CA152286656.
Genomic context (GRCh38, chr7:258,668, plus strand): 5'-TACAGGGGCCCTTGACAATTCTGCTTTTCTTCTGGAAGGTTTGGGAAGTATTCGCACGAC[G>A]AGCTCTCCATCCTGGTGCCGCTACAGCAGTGCTGCAGGTACAGCCCCTGCCGGAGCCGGC-3'
Protein context (NP_064608.2, residues 480-500): GRGFGKYSHD[Glu490Lys]LSILVPLQQC